The following is an entry in ClinVar:

ClinVar aggregate classification (germline): Uncertain significance. Review status: criteria provided, multiple submitters, no conflicts (2 of 4 stars). 3 submissions from 3 submitters: Uncertain significance (3). Last evaluated 2024-11-07.

Conditions:
Inborn genetic diseases. Identifiers: MedGen C0950123, MeSH D030342.

Allele frequency attached by ClinVar (database versions not stated): ExAC 0.00002; 1000 Genomes Project 0.00020; 1000 Genomes Project 30x 0.00047.
gnomAD v4.1: 17 of 1,614,038 alleles (0.0011%); highest among the groups gnomAD compares: African/African-American, 0.004%; no homozygotes.

Submissions (3):

Labcorp Genetics (formerly Invitae), Labcorp
Classification: Uncertain significance. Last evaluated: 2024-11-07. Review status: criteria provided, single submitter. Criteria: Invitae Variant Classification Sherloc (09022015). Collection method: clinical testing. Allele origin: germline.
Comment: This sequence change replaces arginine, which is basic and polar, with glutamine, which is neutral and polar, at codon 1689 of the NALCN protein (p.Arg1689Gln). This variant is present in population databases (rs189387840, gnomAD 0.007%). This variant has not been reported in the literature in individuals affected with NALCN-related conditions. ClinVar contains an entry for this variant (Variation ID: 1912835). Invitae Evidence Modeling of protein sequence and biophysical properties (such as structural, functional, and spatial information, amino acid conservation, physicochemical variation, residue mobility, and thermodynamic stability) indicates that this missense variant is not expected to disrupt NALCN protein function with a negative predictive value of 95%. In summary, the available evidence is currently insufficient to determine the role of this variant in disease. Therefore, it has been classified as a Variant of Uncertain Significance.

GeneDx
Classification: Uncertain significance. Last evaluated: 2024-09-10. Review status: criteria provided, single submitter. Criteria: GeneDx Variant Classification Process June 2021. Collection method: clinical testing. Allele origin: germline. Affected: yes.
Comment: In silico analysis indicates that this missense variant does not alter protein structure/function; Has not been previously published as pathogenic or benign to our knowledge

Ambry Genetics
Classification: Uncertain significance for Inborn genetic diseases. Last evaluated: 2024-07-14. Review status: criteria provided, single submitter. Criteria: Ambry Variant Classification Scheme 2023. Collection method: clinical testing. Allele origin: germline.

NM_052867.4(NALCN):c.5066G>A (p.Arg1689Gln)

Genes: NALCN (sodium leak channel, non-selective; minus strand), NALCN-AS1 (NALCN antisense RNA 1; plus strand). Cytogenetic location: 13q32.3.
Variant type: single nucleotide variant.
Coding change: c.5066G>A on transcript NM_052867.4 (MANE Select); coding-DNA position 5066, G replaced by A.
Protein change: p.Arg1689Gln; replaces arginine 1689 with glutamine.
Molecular consequence: missense variant. On other transcripts: non-coding transcript variant (1).
Genome position (GRCh38, 1-based): chr13:101,055,446, C>T on the plus strand (G>A on the coding strand, the complement: NALCN is on the minus strand). VCF-style: chr13-101055446-C-T. GRCh37 (hg19) VCF-style: chr13-101707798-C-T.
Other names: c.5066G>A (NM_052867.2); c.5153G>A, p.Arg1718Gln (NM_001350748.2); c.5066G>A, p.Arg1689Gln (NM_001350749.2); c.4979G>A, p.Arg1660Gln (NM_001350750.2, NM_001350751.2); short protein forms R1660Q, R1689Q, R1718Q.
Identifiers: ClinVar variation 1912835 (VCV001912835.8), dbSNP rs189387840, ClinGen allele CA7034923.
Genomic context (GRCh38, chr13:101,055,446, plus strand): 5'-GCGTCAGTCATGGGGTTCATTTTGCACACGACAGATTTCATGGTTGTCCTTCCTCCAAAC[C>T]GTAAGTTGACTGAGGACACTGAATGGCTTATTGGTTTTGGGGCTGTGGAATTAATGAGTC-3'
Protein context (NP_443099.1, residues 1679-1699): ISHSVSSVNL[Arg1689Gln]FGGRTTMKSV